The following is an entry in ClinVar:

ClinVar aggregate classification (germline): Uncertain significance (1 of 4 stars; one submission).

Conditions:
Primary ciliary dyskinesia. Also called: Ciliary dyskinesia. Identifiers: Orphanet 244, MedGen C0008780, MONDO:0016575, HP:0012265.

Allele frequency attached by ClinVar (database versions not stated): gnomAD exomes 0.00001 and 0.00002; ExAC 0.00002; gnomAD 0.00002; TOPMed 0.00002.
gnomAD v4.1: 9 of 1,614,092 alleles (0.00056%); highest among the groups gnomAD compares: Admixed American, 0.015%; no homozygotes.

Submission:

Labcorp Genetics (formerly Invitae), Labcorp
Classification: Uncertain significance for Primary ciliary dyskinesia. Last evaluated: 2022-05-25. Review status: criteria provided, single submitter. Criteria: Invitae Variant Classification Sherloc (09022015). Collection method: clinical testing. Allele origin: germline.
Comment: This sequence change replaces asparagine, which is neutral and polar, with isoleucine, which is neutral and non-polar, at codon 187 of the RSPH4A protein (p.Asn187Ile). This variant is present in population databases (rs758078631, gnomAD 0.01%). This variant has not been reported in the literature in individuals affected with RSPH4A-related conditions. ClinVar contains an entry for this variant (Variation ID: 839549). Algorithms developed to predict the effect of missense changes on protein structure and function are either unavailable or do not agree on the potential impact of this missense change (SIFT: "Tolerated"; PolyPhen-2: "Possibly Damaging"; Align-GVGD: "Class C0"). In summary, the available evidence is currently insufficient to determine the role of this variant in disease. Therefore, it has been classified as a Variant of Uncertain Significance.

NM_001010892.3(RSPH4A):c.560A>T (p.Asn187Ile)

Gene: RSPH4A (radial spoke head component 4A; plus strand). Cytogenetic location: 6q22.1.
Variant type: single nucleotide variant.
Coding change: c.560A>T on transcript NM_001010892.3 (MANE Select); coding-DNA position 560, A replaced by T.
Protein change: p.Asn187Ile; replaces asparagine 187 with isoleucine.
Molecular consequence: missense variant.
Genome position (GRCh38, 1-based): chr6:116,617,183, A>T. VCF-style: chr6-116617183-A-T. GRCh37 (hg19) VCF-style: chr6-116938346-A-T.
Other names: c.560A>T, p.Asn187Ile (NM_001161664.2); short protein forms N187I.
Identifiers: ClinVar variation 839549 (VCV000839549.8), dbSNP rs758078631, ClinGen allele CA3970785.